The following is an entry in ClinVar:

NM_000059.4(BRCA2):c.6333_6337del (p.Arg2112fs)

Gene: BRCA2 (BRCA2 DNA repair associated; plus strand). Cytogenetic location: 13q13.1.
Variant type: Deletion.
Coding change: c.6333_6337del on transcript NM_000059.4 (MANE Select); coding-DNA positions 6333 to 6337, 5 bases deleted (GAGAA; older notation c.6333_6337delGAGAA).
Protein change: p.Arg2112fs; shifts the reading frame from arginine 2112.
Molecular consequence: frameshift variant.
Genome position (GRCh38, 1-based): chr13:32,340,688-32,340,692, GAGAA deleted; deleting any 5 consecutive bases within chr13:32,340,686-32,340,692 gives the same sequence; the c. name uses the placement nearest the transcript's 3' end. VCF-style (leftmost placement, unchanged base first): chr13-32340685-TAAGAG-T. GRCh37 (hg19) VCF-style: chr13-32914822-TAAGAG-T.
Other names: 6561del5; c.6333_6337delGAGAA (NM_000059.3); short protein forms R2112fs.
Identifiers: ClinVar variation 38038 (VCV000038038.27), dbSNP rs397507369, ClinGen allele CA023925.

ClinVar aggregate classification (germline): Pathogenic. Review status: reviewed by expert panel (3 of 4 stars). 9 submissions from 9 submitters: Pathogenic (1). 8 of the submissions do not count toward it. Last evaluated 2016-09-08.

Conditions:
Hereditary cancer-predisposing syndrome. Also called: Tumor predisposition; Neoplastic Syndromes, Hereditary; Hereditary neoplastic syndrome; Hereditary Cancer Syndrome. Identifiers: Orphanet 140162, MedGen C0027672, MeSH D009386, MONDO:0015356.
Hereditary breast ovarian cancer syndrome. Also called: Hereditary breast and ovarian cancer; Hereditary breast and ovarian cancer syndrome (HBOC); Hereditary breast and/or ovarian cancer syndrome; Breast and ovarian cancer; Hereditary breast and ovarian cancer syndrome; BRCA1- and BRCA2-Associated Hereditary Breast and Ovarian Cancer. Identifiers: Orphanet 145, MedGen C0677776, MeSH D061325, MONDO:0003582. Disease mechanism: loss of function.
Breast-ovarian cancer, familial, susceptibility to, 2 (BROVCA2). Also called: BRCA2 Hereditary Breast and Ovarian Cancer. Identifiers: Orphanet 145, MedGen C2675520, MONDO:0012933, OMIM 612555. Disease mechanism: loss of function.
Familial cancer of breast. Also called: Hereditary breast cancer; BREAST CANCER, FAMILIAL; hereditary breast carcinoma. Identifiers: Orphanet 227535, MedGen C0346153, MONDO:0016419, OMIM 114480. Disease mechanism: loss of function.

Submissions (9):

Evidence-based Network for the Interpretation of Germline Mutant Alleles (ENIGMA)
Classification: Pathogenic for Breast-ovarian cancer, familial, susceptibility to, 2. Last evaluated: 2016-09-08. Review status: reviewed by expert panel. Criteria: ENIGMA BRCA1/2 Classification Criteria (2015). Collection method: curation. Allele origin: germline.
Comment: Variant allele predicted to encode a truncated non-functional protein.

Ambry Genetics
Classification: Pathogenic for Hereditary cancer-predisposing syndrome. Last evaluated: 2025-05-07. Review status: criteria provided, single submitter. Criteria: Ambry Variant Classification Scheme 2023. Collection method: clinical testing. Allele origin: germline. Not counted in ClinVar's aggregate classification.
Comment: The c.6333_6337delGAGAA variant, located in coding exon 10 of the BRCA2 gene, results from a deletion of 5 nucleotides at nucleotide positions 6333 to 6337, causing a translational frameshift with a predicted alternate stop codon (p.R2112Pfs*15). This variant has been reported in studies of male and female breast cancer patients (Suter NM et al. Cancer Epidemiol. Biomarkers Prev. 2004 Feb;13:181-9; Ibrahim M et al. BMC Cancer. 2018 02;18:179; Copson ER et al. Lancet Oncol. 2018 02;19:169-180). This variant is considered to be rare based on population cohorts in the Genome Aggregation Database (gnomAD). In addition to the clinical data presented in the literature, this alteration is expected to result in loss of function by premature protein truncation or nonsense-mediated mRNA decay. As such, this alteration is interpreted as a disease-causing mutation.

Labcorp Genetics (formerly Invitae), Labcorp
Classification: Pathogenic for Hereditary breast ovarian cancer syndrome. Last evaluated: 2024-12-18. Review status: criteria provided, single submitter. Criteria: Invitae Variant Classification Sherloc (09022015). Collection method: clinical testing. Allele origin: germline. Not counted in ClinVar's aggregate classification.
Comment: This sequence change creates a premature translational stop signal (p.Arg2112Profs*15) in the BRCA2 gene. It is expected to result in an absent or disrupted protein product. Loss-of-function variants in BRCA2 are known to be pathogenic (PMID: 20104584). This variant is not present in population databases (gnomAD no frequency). This premature translational stop signal has been observed in individual(s) with breast cancer and prostate cancer (PMID: 14973102, 29433453). This variant is also known as 6561del5. ClinVar contains an entry for this variant (Variation ID: 38038). For these reasons, this variant has been classified as Pathogenic.

Genetic Services Laboratory, University of Chicago
Classification: Pathogenic. Last evaluated: 2024-07-19. Review status: criteria provided, single submitter. Criteria: ACMG Guidelines, 2015. Collection method: clinical testing. Allele origin: germline. Affected: yes. Not counted in ClinVar's aggregate classification.
Comment: DNA sequence analysis of the BRCA2 gene demonstrated a five base pair deletion in exon 11, c.6333_6337del. This sequence change results in an amino acid frameshift and creates a premature stop codon 14 amino acids downstream of the change, p.Arg2112Profs*15. This sequence change is predicted to result in an abnormal transcript, which may be degraded, or may lead to the production of a truncated BRCA2 protein with potentially abnormal function. The c.6333_6337del sequence change has not been described in population databases such as ExAC and gnomAD (dbSNP rs941639559). This sequence change has previously been described in individuals with prostate and breast cancer (PMID 29433453, 32318955, 14973102, 29337092). These collective evidences indicate that this sequence change is pathogenic.

GeneDx
Classification: Pathogenic. Last evaluated: 2024-05-20. Review status: criteria provided, single submitter. Criteria: GeneDx Variant Classification Process June 2021. Collection method: clinical testing. Allele origin: germline. Affected: yes. Not counted in ClinVar's aggregate classification.
Comment: Frameshift variant predicted to result in protein truncation or nonsense mediated decay in a gene for which loss of function is a known mechanism of disease; Not observed at significant frequency in large population cohorts (gnomAD); Truncating variants in this gene are considered pathogenic by a well-established clinical consortium and/or database; Also known as 6561_6565delGAGAA, 6561del4, and c.6331_6335del, p.K2111fs; This variant is associated with the following publications: (PMID: 14973102, 29433453, 32318955, 29337092)

Baylor Genetics
Classification: Pathogenic for Familial cancer of breast. Last evaluated: 2024-01-23. Review status: criteria provided, single submitter. Criteria: ACMG Guidelines, 2015. Collection method: clinical testing. Allele origin: unknown. Not counted in ClinVar's aggregate classification.

Color Diagnostics, LLC DBA Color Health
Classification: Pathogenic for Hereditary cancer-predisposing syndrome. Last evaluated: 2021-03-10. Review status: criteria provided, single submitter. Criteria: ACMG Guidelines, 2015. Collection method: clinical testing. Allele origin: germline. Not counted in ClinVar's aggregate classification.
Comment: This variant deletes 5 nucleotides in exon 11 of the BRCA2 gene, creating a frameshift and premature translation stop signal. This variant is expected to result in an absent or non-functional protein product. To our knowledge, functional studies have not been reported for this variant. This variant has been reported in individuals affected with breast/ovarian cancer (PMID: 14973102, 29337092, 29433453) with one case also having prostate cancer (29433453). This variant has not been identified in the general population by the Genome Aggregation Database (gnomAD). Loss of BRCA2 function is a known mechanism of disease. Based on the available evidence, this variant is classified as Pathogenic.

Women's Health and Genetics/Laboratory Corporation of America, LabCorp
Classification: Pathogenic for Hereditary breast ovarian cancer syndrome. Last evaluated: 2016-08-01. Review status: criteria provided, single submitter. Criteria: LabCorp Variant Classification Summary - May 2015. Collection method: clinical testing. Allele origin: germline. Not counted in ClinVar's aggregate classification.
Comment: Variant summary: The BRCA2 c.6333_6337delGAGAA (p.Arg2112Profs) variant results in a premature termination codon, predicted to cause a truncated or absent BRCA2 protein due to nonsense mediated decay, which are commonly known mechanisms for disease. One in silico tool predicts a damaging outcome for this variant. Moreover, truncations downstream of this position have been classified as pathogenic by our laboratory (e.g. p.Glu3111X, p.Leu3135fs) further supporting a deleterious outcome. In addition, multiple clinical diagnostic laboratories/reputable databases classified this variant as Pathogenic. Taken together, this variant is classified as Pathogenic.

Sharing Clinical Reports Project (SCRP)
Classification: Pathogenic for Breast-ovarian cancer, familial 2. Last evaluated: 2011-04-18. Review status: no assertion criteria provided. Collection method: clinical testing. Allele origin: germline. Not counted in ClinVar's aggregate classification.

Literature cited by the submitters: PubMed 14973102 (cited by 3 submitters); PubMed 29337092 (cited by Ambry Genetics); PubMed 29433453 (cited by Ambry Genetics and Labcorp Genetics (formerly Invitae), Labcorp); PubMed 20104584 (cited by Labcorp Genetics (formerly Invitae), Labcorp).